The following is an entry in ClinVar:

NM_004947.5(DOCK3):c.5945T>G (p.Leu1982Arg)

Gene: DOCK3 (dedicator of cytokinesis 3; plus strand). Cytogenetic location: 3p21.2.
Variant type: single nucleotide variant.
Coding change: c.5945T>G on transcript NM_004947.5 (MANE Select); coding-DNA position 5945, T replaced by G.
Protein change: p.Leu1982Arg; replaces leucine 1982 with arginine.
Molecular consequence: missense variant.
Genome position (GRCh38, 1-based): chr3:51,381,411, T>G. VCF-style: chr3-51381411-T-G. GRCh37 (hg19) VCF-style: chr3-51418842-T-G.
Other names: short protein forms L1982R.
Identifiers: ClinVar variation 3085002 (VCV003085002.2), dbSNP rs201401537, ClinGen allele CA2422172.

ClinVar aggregate classification (germline): Uncertain significance. Review status: criteria provided, multiple submitters, no conflicts (2 of 4 stars). 2 submissions from 2 submitters: Uncertain significance (2). Last evaluated 2023-11-17.

Conditions:
Inborn genetic diseases. Identifiers: MedGen C0950123, MeSH D030342.

Allele frequency attached by ClinVar (database versions not stated): gnomAD exomes 0.00010; gnomAD 0.00013; ExAC 0.00004; ESP Exome Variant Server 0.00008; 1000 Genomes Project 0.00020; TOPMed 0.00012; 1000 Genomes Project 30x 0.00016.
gnomAD v4.1: 165 of 1,612,266 alleles (0.01%); highest among the groups gnomAD compares: Non-Finnish European, 0.013%; no homozygotes.

Submissions (2):

Ambry Genetics
Classification: Uncertain significance for Inborn genetic diseases. Last evaluated: 2023-11-17. Review status: criteria provided, single submitter. Criteria: Ambry Variant Classification Scheme 2023. Collection method: clinical testing. Allele origin: germline.

GeneDx
Classification: Uncertain significance. Last evaluated: 2022-04-06. Review status: criteria provided, single submitter. Criteria: GeneDx Variant Classification Process June 2021. Collection method: clinical testing. Allele origin: germline. Affected: yes.
Comment: In silico analysis supports that this missense variant does not alter protein structure/function; Has not been previously published as pathogenic or benign to our knowledge; Variants in candidate genes are classified as variants of uncertain significance in accordance with ACMG guidelines (Richards et al., 2015)